The following is an entry in ClinVar:

NC_000019.9:g.(?_48901650)_(49055600_?)dup

Genes: CYTH2 (cytohesin 2; plus strand), GRIN2D (glutamate ionotropic receptor NMDA type subunit 2D; plus strand), GRWD1 (glutamate rich WD repeat containing 1; plus strand), KCNJ14 (potassium inwardly rectifying channel subfamily J member 14; plus strand), LMTK3 (lemur tyrosine kinase 3; minus strand) and 1 more. Cytogenetic location: 19q13.33.
Variant type: Duplication.
Identifiers: ClinVar variation 3242656 (VCV003242656.1).

ClinVar aggregate classification (germline): Uncertain significance (1 of 4 stars; one submission).

Submission:

Labcorp Genetics (formerly Invitae), Labcorp
Classification: Uncertain significance. Last evaluated: 2022-05-15. Review status: criteria provided, single submitter. Criteria: Invitae Variant Classification Sherloc (09022015). Collection method: clinical testing. Allele origin: unknown.
Comment: A copy number gain of the genomic region encompassing the full coding sequence of the GRIN2D gene has been identified. The boundaries of this event are unknown as they extend beyond the assayed region for this gene and therefore may encompass additional genes. As the precise location of this event is unknown, it may be in tandem or it may be located elsewhere in the genome. Isolated whole-gene gain of GRIN2D have not been reported in the literature. However, larger copy number events that include this gene have been reported (PMID: 31602316). In summary, the available evidence is currently insufficient to determine the role of this variant in disease. Therefore, it has been classified as a Variant of Uncertain Significance.

Literature cited by the submitters: PubMed 31602316.